The following is an entry in ClinVar:

NM_001172509.2(SATB2):c.1573G>A (p.Glu525Lys)

Gene: SATB2 (SATB homeobox 2; minus strand). Cytogenetic location: 2q33.1.
Variant type: single nucleotide variant.
Coding change: c.1573G>A on transcript NM_001172509.2 (MANE Select); coding-DNA position 1573, G replaced by A.
Protein change: p.Glu525Lys; replaces glutamic acid 525 with lysine.
Molecular consequence: missense variant.
Genome position (GRCh38, 1-based): chr2:199,308,927, C>T on the plus strand (G>A on the coding strand, the complement: SATB2 is on the minus strand). VCF-style: chr2-199308927-C-T. GRCh37 (hg19) VCF-style: chr2-200173650-C-T.
Other names: c.1573G>A, p.Glu525Lys (NM_001172517.1, NM_015265.4); c.1573G>A (NM_015265.3); short protein forms E525K.
Identifiers: ClinVar variation 2577951 (VCV002577951.2), dbSNP rs2468839265, ClinGen allele CA350384624.

ClinVar aggregate classification (germline): Pathogenic. Review status: criteria provided, single submitter (1 of 4 stars). 2 submissions from 2 submitters: Pathogenic (1). 1 of the submissions does not count toward it. Last evaluated 2023-09-27.

Submissions (2):

GeneDx
Classification: Pathogenic. Last evaluated: 2023-09-27. Review status: criteria provided, single submitter. Criteria: GeneDx Variant Classification Process June 2021. Collection method: clinical testing. Allele origin: germline. Affected: yes.
Comment: Not observed in large population cohorts (gnomAD); In silico analysis supports that this missense variant does not alter protein structure/function; Has not been previously published as pathogenic or benign to our knowledge

Molecular Genetics laboratory, Necker Hospital
Classification: Likely pathogenic. Last evaluated: 2019-03-29. Review status: no assertion criteria provided. Collection method: clinical testing. Allele origin: de novo. Affected: yes. Not counted in ClinVar's aggregate classification.